The following is an entry in ClinVar:

NM_001122681.2(SH3BP2):c.1654C>T (p.Arg552Trp)

Gene: SH3BP2 (SH3 domain binding protein 2; plus strand). Cytogenetic location: 4p16.3.
Variant type: single nucleotide variant.
Coding change: c.1654C>T on transcript NM_001122681.2 (MANE Select); coding-DNA position 1654, C replaced by T.
Protein change: p.Arg552Trp; replaces arginine 552 with tryptophan.
Molecular consequence: missense variant.
Genome position (GRCh38, 1-based): chr4:2,833,802, C>T. VCF-style: chr4-2833802-C-T. GRCh37 (hg19) VCF-style: chr4-2835529-C-T.
Other names: c.1738C>T, p.Arg580Trp (NM_001145855.2, LRG_1334t2); c.1825C>T, p.Arg609Trp (NM_001145856.2); c.1654C>T, p.Arg552Trp (NM_003023.4, LRG_1334t1); short protein forms R609W, R552W, R580W.
Identifiers: ClinVar variation 639593 (VCV000639593.13), dbSNP rs151048521, ClinGen allele CA2819650.
Genomic context (GRCh38, chr4:2,833,802, plus strand): 5'-GGCAGCATGGTGGAGCACTACCACACCCACGTGCTGCCCAGCCACCAGAGCCTGCTGCTG[C>T]GGCACCCCTACGGCTACACTGGGCCTAGGTGATGGCAGTCCATGTGGCTGCCAGGCCAAG-3'
Protein context (NP_001116153.1, residues 542-561): VLPSHQSLLL[Arg552Trp]HPYGYTGPR

ClinVar aggregate classification (germline): Uncertain significance. Review status: criteria provided, multiple submitters, no conflicts (2 of 4 stars). 6 submissions from 6 submitters: Uncertain significance (4). 2 of the submissions do not count toward it. Last evaluated 2026-06-09.

Conditions:
Fibrous dysplasia of jaw (CRBM). Also called: Cherubism. Identifiers: Orphanet 184, MedGen C0008029, MONDO:0007315, OMIM 118400.
Inborn genetic diseases. Identifiers: MedGen C0950123, MeSH D030342.

Allele frequency attached by ClinVar (database versions not stated): TOPMed 0.00010; ESP Exome Variant Server 0.00015.
gnomAD v4.1: 73 of 1,590,116 alleles (0.0046%); highest among the groups gnomAD compares: Middle Eastern, 0.05%; no homozygotes.

Submissions (6):

Women's Health and Genetics/Laboratory Corporation of America, LabCorp
Classification: Uncertain significance. Last evaluated: 2026-06-09. Review status: criteria provided, single submitter. Criteria: LabCorp Variant Classification Summary - May 2015. Collection method: clinical testing. Allele origin: germline.
Comment: Variant summary: SH3BP2 c.1654C>T (p.Arg552Trp) results in a non-conservative amino acid change in the encoded protein sequence. Algorithms developed to predict the effect of missense changes on protein structure and function all suggest that this variant is likely to be disruptive. The variant allele was found at a frequency of 4.8e-05 in 208560 control chromosomes, predominantly at a frequency of 0.0002 within the Latino subpopulation in the gnomAD database. The available data on variant occurrences in the general population are insufficient to allow any conclusion about variant significance. To our knowledge, no occurrence of c.1654C>T in individuals affected with SH3BP2-related conditions and no experimental evidence demonstrating its impact on protein function have been reported. ClinVar contains an entry for this variant (Variation ID: 639593). Based on the evidence outlined above, the variant was classified as uncertain significance.

Labcorp Genetics (formerly Invitae), Labcorp
Classification: Uncertain significance for Fibrous dysplasia of jaw. Last evaluated: 2025-12-23. Review status: criteria provided, single submitter. Criteria: Invitae Variant Classification Sherloc (09022015). Collection method: clinical testing. Allele origin: germline.
Comment: This sequence change replaces arginine, which is basic and polar, with tryptophan, which is neutral and slightly polar, at codon 552 of the SH3BP2 protein (p.Arg552Trp). This variant is present in population databases (rs151048521, gnomAD 0.02%). This variant has not been reported in the literature in individuals affected with SH3BP2-related conditions. ClinVar contains an entry for this variant (Variation ID: 639593). Invitae Evidence Modeling of protein sequence and biophysical properties (such as structural, functional, and spatial information, amino acid conservation, physicochemical variation, residue mobility, and thermodynamic stability) indicates that this missense variant is not expected to disrupt SH3BP2 protein function with a negative predictive value of 95%. In summary, the available evidence is currently insufficient to determine the role of this variant in disease. Therefore, it has been classified as a Variant of Uncertain Significance.

Ambry Genetics
Classification: Uncertain significance for Inborn genetic diseases. Last evaluated: 2023-12-22. Review status: criteria provided, single submitter. Criteria: Ambry Variant Classification Scheme 2023. Collection method: clinical testing. Allele origin: germline.

Fulgent Genetics
Classification: Uncertain significance for Fibrous dysplasia of jaw. Last evaluated: 2022-05-12. Review status: criteria provided, single submitter. Criteria: ACMG Guidelines, 2015. Collection method: clinical testing. Allele origin: unknown.

Clinical Genetics DNA and cytogenetics Diagnostics Lab, Erasmus MC, Erasmus Medical Center
Classification: Uncertain significance. Review status: no assertion criteria provided. Collection method: clinical testing. Allele origin: germline. Affected: yes. Study: VKGL Data-share Consensus. Not counted in ClinVar's aggregate classification.

Laboratory of Diagnostic Genome Analysis, Leiden University Medical Center (LUMC)
Classification: Uncertain significance. Review status: no assertion criteria provided. Collection method: clinical testing. Allele origin: germline. Affected: yes. Study: VKGL Data-share Consensus. Not counted in ClinVar's aggregate classification.